The following is an entry in ClinVar:

NM_182641.4(BPTF):c.3472A>G (p.Asn1158Asp)

Gene: BPTF (bromodomain PHD finger transcription factor; plus strand). Cytogenetic location: 17q24.2.
Variant type: single nucleotide variant.
Coding change: c.3472A>G on transcript NM_182641.4 (MANE Select); coding-DNA position 3472, A replaced by G.
Protein change: p.Asn1158Asp; replaces asparagine 1158 with aspartic acid.
Molecular consequence: missense variant.
Genome position (GRCh38, 1-based): chr17:67,911,356, A>G. VCF-style: chr17-67911356-A-G. GRCh37 (hg19) VCF-style: chr17-65907472-A-G.
Other names: c.3850A>G, p.Asn1284Asp (NM_004459.7); short protein forms N1158D, N1284D.
Identifiers: ClinVar variation 3346299 (VCV003346299.1).

ClinVar aggregate classification (germline): Uncertain significance (0 of 4 stars; one submission).

Conditions:
BPTF-related disorder. Also called: BPTF-related condition.

gnomAD v4.1: 1 of 1,614,024 alleles (0.000062%); highest among the groups gnomAD compares: Non-Finnish European, 0.000085%; no homozygotes.

Submission:

PreventionGenetics, part of Exact Sciences
Classification: Uncertain significance for BPTF-related condition. Last evaluated: 2024-09-28. Review status: no assertion criteria provided. Collection method: clinical testing. Allele origin: germline.
Comment: The BPTF c.3472A>G variant is predicted to result in the amino acid substitution p.Asn1158Asp. To our knowledge, this variant has not been reported in the literature or in a large population database, indicating this variant is rare. At this time, the clinical significance of this variant is uncertain due to the absence of conclusive functional and genetic evidence.